The following is an entry in ClinVar:

ClinVar aggregate classification (germline): Benign/Likely benign. Review status: criteria provided, multiple submitters, no conflicts (2 of 4 stars). 3 submissions from 3 submitters: Benign (1); Likely benign (2). Last evaluated 2025-05-02.

Conditions:
Hereditary cancer-predisposing syndrome. Also called: Hereditary Cancer Syndrome; Neoplastic Syndromes, Hereditary; Hereditary neoplastic syndrome; Tumor predisposition. Identifiers: Orphanet 140162, MedGen C0027672, MeSH D009386, MONDO:0015356.
Tuberous sclerosis 2 (TSC2). Identifiers: Orphanet 805, MedGen C1860707, MONDO:0013199, OMIM 613254.

Submissions (3):

Myriad Genetics, Inc.
Classification: Benign for Tuberous sclerosis 2. Last evaluated: 2025-05-02. Review status: criteria provided, single submitter. Criteria: Myriad Autosomal Dominant, Autosomal Recessive and X-Linked Classification Criteria (2023). Collection method: clinical testing. Allele origin: unknown.
Comment: This variant is considered benign. This variant is a silent/synonymous amino acid change and it is not expected to impact splicing.

Labcorp Genetics (formerly Invitae), Labcorp
Classification: Likely benign for Tuberous sclerosis 2. Last evaluated: 2021-12-19. Review status: criteria provided, single submitter. Criteria: Invitae Variant Classification Sherloc (09022015). Collection method: clinical testing. Allele origin: germline.

Ambry Genetics
Classification: Likely benign for Hereditary cancer-predisposing syndrome. Last evaluated: 2019-11-27. Review status: criteria provided, single submitter. Criteria: Ambry Variant Classification Scheme 2023. Collection method: clinical testing. Allele origin: germline.

NM_000548.5(TSC2):c.213G>A (p.Lys71=)

Gene: TSC2 (TSC complex subunit 2; plus strand). Cytogenetic location: 16p13.3.
Variant type: single nucleotide variant.
Coding change: c.213G>A on transcript NM_000548.5 (MANE Select); coding-DNA position 213, G replaced by A.
Protein change: p.Lys71=; no amino-acid change (lysine 71 retained).
Molecular consequence: synonymous variant. On other transcripts: 5 prime UTR variant (1).
Genome position (GRCh38, 1-based): chr16:2,050,474, G>A. VCF-style: chr16-2050474-G-A. GRCh37 (hg19) VCF-style: chr16-2100475-G-A.
Other names: c.213G>A, p.Lys71= (NM_001077183.3, NM_001114382.3, NM_001318827.2 and 4 more transcripts); c.66G>A, p.Lys22= (NM_001318829.2); c.-14G>A (NM_001318831.2); c.246G>A, p.Lys82= (NM_001318832.2).
Identifiers: ClinVar variation 820791 (VCV000820791.10), dbSNP rs766200310, ClinGen allele CA492954928.